The following is an entry in ClinVar:

NM_033118.4(MYLK2):c.61C>T (p.Pro21Ser)

Gene: MYLK2 (myosin light chain kinase 2; plus strand). Cytogenetic location: 20q11.21.
Variant type: single nucleotide variant.
Coding change: c.61C>T on transcript NM_033118.4 (MANE Select); coding-DNA position 61, C replaced by T.
Protein change: p.Pro21Ser; replaces proline 21 with serine.
Molecular consequence: missense variant.
Genome position (GRCh38, 1-based): chr20:31,820,134, C>T. VCF-style: chr20-31820134-C-T. GRCh37 (hg19) VCF-style: chr20-30407937-C-T.
Other names: short protein forms P21S.
Identifiers: ClinVar variation 3614020 (VCV003614020.2).

ClinVar aggregate classification (germline): Uncertain significance (1 of 4 stars; one submission).

Conditions:
Hypertrophic cardiomyopathy 1 (CMH1). Also called: Familial hypertrophic cardiomyopathy 1; MYH7-Related Familial Hypertrophic Cardiomyopathy. Identifiers: MedGen C3495498, MONDO:0008647, OMIM 192600.

Submission:

Labcorp Genetics (formerly Invitae), Labcorp
Classification: Uncertain significance for Hypertrophic cardiomyopathy 1. Last evaluated: 2025-01-31. Review status: criteria provided, single submitter. Criteria: Invitae Variant Classification Sherloc (09022015). Collection method: clinical testing. Allele origin: germline.
Comment: This sequence change replaces proline, which is neutral and non-polar, with serine, which is neutral and polar, at codon 21 of the MYLK2 protein (p.Pro21Ser). This variant is not present in population databases (gnomAD no frequency). This variant has not been reported in the literature in individuals affected with MYLK2-related conditions. An algorithm developed to predict the effect of missense changes on protein structure and function outputs the following: PolyPhen-2: "Benign". The serine amino acid residue is found in multiple mammalian species, which suggests that this missense change does not adversely affect protein function. In summary, the available evidence is currently insufficient to determine the role of this variant in disease. Therefore, it has been classified as a Variant of Uncertain Significance.